The following is an entry in ClinVar:

NM_000245.4(MET):c.4154C>A (p.Ser1385Tyr)

Gene: MET (MET proto-oncogene, receptor tyrosine kinase; plus strand). Cytogenetic location: 7q31.2.
Variant type: single nucleotide variant.
Coding change: c.4154C>A on transcript NM_000245.4 (MANE Select); coding-DNA position 4154, C replaced by A.
Protein change: p.Ser1385Tyr; replaces serine 1385 with tyrosine.
Molecular consequence: missense variant.
Genome position (GRCh38, 1-based): chr7:116,796,105, C>A. VCF-style: chr7-116796105-C-A. GRCh37 (hg19) VCF-style: chr7-116436159-C-A.
Other names: c.4208C>A, p.Ser1403Tyr (NM_001127500.3); c.2864C>A, p.Ser955Tyr (NM_001324402.2); short protein forms S1385Y, S955Y, S1403Y.
Identifiers: ClinVar variation 934884 (VCV000934884.15), dbSNP rs764303128, ClinGen allele CA4448839.

ClinVar aggregate classification (germline): Conflicting classifications of pathogenicity. Review status: criteria provided, conflicting classifications (1 of 4 stars). 4 submissions from 4 submitters: Uncertain significance (3); Benign (1). Last evaluated 2025-04-28.

Conditions:
Hereditary cancer-predisposing syndrome. Also called: Neoplastic Syndromes, Hereditary; Hereditary Cancer Syndrome; Hereditary neoplastic syndrome; Tumor predisposition. Identifiers: Orphanet 140162, MedGen C0027672, MeSH D009386, MONDO:0015356.
Renal cell carcinoma. Identifiers: Orphanet 217071, MedGen C0007134, MeSH D002292, MONDO:0005086, HP:0005584.
Autosomal recessive nonsyndromic hearing loss 97. Also called: Deafness, autosomal recessive 97. Identifiers: Orphanet 90636, MedGen C4084709, MONDO:0014739, OMIM 616705.

Allele frequency attached by ClinVar (database versions not stated): ExAC 0.00001; gnomAD exomes 0.00001.
gnomAD v4.1: 3 of 1,614,112 alleles (0.00019%); highest among the groups gnomAD compares: East Asian, 0.0067%; no homozygotes.

Submissions (4):

Labcorp Genetics (formerly Invitae), Labcorp
Classification: Uncertain significance for Renal cell carcinoma. Last evaluated: 2025-04-28. Review status: criteria provided, single submitter. Criteria: Invitae Variant Classification Sherloc (09022015). Collection method: clinical testing. Allele origin: germline.
Comment: This sequence change replaces serine, which is neutral and polar, with tyrosine, which is neutral and polar, at codon 1403 of the MET protein (p.Ser1403Tyr). This variant is present in population databases (rs764303128, gnomAD 0.02%). This variant has not been reported in the literature in individuals affected with MET-related conditions. ClinVar contains an entry for this variant (Variation ID: 934884). Experimental studies and prediction algorithms are not available or were not evaluated, and the functional significance of this variant is currently unknown. In summary, the available evidence is currently insufficient to determine the role of this variant in disease. Therefore, it has been classified as a Variant of Uncertain Significance.

Ambry Genetics
Classification: Benign for Hereditary cancer-predisposing syndrome. Last evaluated: 2024-04-10. Review status: criteria provided, single submitter. Criteria: Ambry Variant Classification Scheme 2023. Collection method: clinical testing. Allele origin: germline.

Baylor Genetics
Classification: Uncertain significance for Autosomal recessive nonsyndromic hearing loss 97. Last evaluated: 2024-01-17. Review status: criteria provided, single submitter. Criteria: ACMG Guidelines, 2015. Collection method: clinical testing. Allele origin: unknown.

GeneDx
Classification: Uncertain significance. Last evaluated: 2023-05-09. Review status: criteria provided, single submitter. Criteria: GeneDx Variant Classification Process June 2021. Collection method: clinical testing. Allele origin: germline. Affected: yes.
Comment: In silico analysis supports that this missense variant does not alter protein structure/function; Has not been previously published as pathogenic or benign to our knowledge